The following is an entry in ClinVar:

NM_130384.3(ATRIP):c.361T>G (p.Tyr121Asp)

Genes: ATRIP (ATR interacting protein; plus strand), ATRIP-TREX1 (ATRIP-TREX1 readthrough; plus strand). Cytogenetic location: 3p21.31.
Variant type: single nucleotide variant.
Coding change: c.361T>G on transcript NM_130384.3 (MANE Select); coding-DNA position 361, T replaced by G.
Protein change: p.Tyr121Asp; replaces tyrosine 121 with aspartic acid.
Molecular consequence: missense variant. On other transcripts: non-coding transcript variant (1), 5 prime UTR variant (1).
Genome position (GRCh38, 1-based): chr3:48,450,150, T>G. VCF-style: chr3-48450150-T-G. GRCh37 (hg19) VCF-style: chr3-48491556-T-G.
Other names: c.-104T>G (NM_001271022.2); c.82T>G, p.Tyr28Asp (NM_001271023.2); c.361T>G, p.Tyr121Asp (NM_032166.4); short protein forms Y121D, Y28D.
Identifiers: ClinVar variation 4644555 (VCV004644555.1).
Genomic context (GRCh38, chr3:48,450,150, plus strand): 5'-AAAAACAGAGAAACTGTTCCAATTAAAGATAATTTCGAATTAGAGGTACTTCAGGCACAA[T>G]ACAAAGAACTTAAAGAAAAGGTAAGTGACTTAACTTGTGGTTTTTGTAGCTAATTCATTC-3'
Protein context (NP_569055.1, residues 111-131): NFELEVLQAQ[Tyr121Asp]KELKEKMKVM

ClinVar aggregate classification (germline): Uncertain significance (1 of 4 stars; one submission).

Submission:

Ambry Genetics
Classification: Uncertain significance. Last evaluated: 2025-10-23. Review status: criteria provided, single submitter. Criteria: Ambry Variant Classification Scheme 2023. Collection method: clinical testing. Allele origin: germline.
Comment: The p.Y121D variant (also known as c.361T>G), located in coding exon 2 of the ATRIP gene, results from a T to G substitution at nucleotide position 361. The tyrosine at codon 121 is replaced by aspartic acid, an amino acid with highly dissimilar properties. This amino acid position is conserved. In addition, the in silico prediction for this alteration is inconclusive. Based on the available evidence, the clinical significance of this variant remains unclear.